The following is an entry in ClinVar:

ClinVar aggregate classification (germline): Uncertain significance. Review status: criteria provided, multiple submitters, no conflicts (2 of 4 stars). 3 submissions from 3 submitters: Uncertain significance (3). Last evaluated 2025-03-06.

Conditions:
Galloway-Mowat syndrome 1 (GAMOS1). Identifiers: Orphanet 2065, Orphanet 83472, MedGen C4551772, MONDO:0033005, OMIM 251300.

Allele frequency attached by ClinVar (database versions not stated): gnomAD exomes 0.00005; TOPMed 0.00006; ESP Exome Variant Server 0.00008; gnomAD 0.00009; 1000 Genomes Project 30x 0.00031; 1000 Genomes Project 0.00040.
gnomAD v4.1: 87 of 1,612,414 alleles (0.0054%); highest among the groups gnomAD compares: South Asian, 0.054%; no homozygotes.

Submissions (3):

Women's Health and Genetics/Laboratory Corporation of America, LabCorp
Classification: Uncertain significance. Last evaluated: 2025-03-06. Review status: criteria provided, single submitter. Criteria: LabCorp Variant Classification Summary - May 2015. Collection method: clinical testing. Allele origin: germline.
Comment: Variant summary: WDR73 c.595C>T (p.Arg199Trp) results in a non-conservative amino acid change in the encoded protein sequence. Four of five in-silico tools predict a damaging effect of the variant on protein function. The variant allele was found at a frequency of 0.00015 in 245730 control chromosomes (gnomAD). This frequency is not significantly higher than estimated for a pathogenic variant in WDR73 causing Galloway-Mowat Syndrome 1, allowing no conclusion about variant significance. c.595C>T has been reported in the literature in one individual affected with Arthrogryposis (Saxena_2023). The report does not provide unequivocal conclusions about association of the variant with Galloway-Mowat Syndrome 1. To our knowledge, no experimental evidence demonstrating an impact on protein function has been reported. The following publication have been ascertained in the context of this evaluation (PMID: 36964991). ClinVar contains an entry for this variant (Variation ID: 1916657). Based on the evidence outlined above, the variant was classified as uncertain significance.

Fulgent Genetics
Classification: Uncertain significance for Galloway-Mowat syndrome 1. Last evaluated: 2024-04-09. Review status: criteria provided, single submitter. Criteria: ACMG Guidelines, 2015. Collection method: clinical testing. Allele origin: germline.

Labcorp Genetics (formerly Invitae), Labcorp
Classification: Uncertain significance. Last evaluated: 2023-07-17. Review status: criteria provided, single submitter. Criteria: Invitae Variant Classification Sherloc (09022015). Collection method: clinical testing. Allele origin: germline.
Comment: This sequence change replaces arginine, which is basic and polar, with tryptophan, which is neutral and slightly polar, at codon 199 of the WDR73 protein (p.Arg199Trp). This variant is present in population databases (rs373323041, gnomAD 0.07%). This variant has not been reported in the literature in individuals affected with WDR73-related conditions. ClinVar contains an entry for this variant (Variation ID: 1916657). Advanced modeling of protein sequence and biophysical properties (such as structural, functional, and spatial information, amino acid conservation, physicochemical variation, residue mobility, and thermodynamic stability) has been performed at Invitae for this missense variant, however the output from this modeling did not meet the statistical confidence thresholds required to predict the impact of this variant on WDR73 protein function. In summary, the available evidence is currently insufficient to determine the role of this variant in disease. Therefore, it has been classified as a Variant of Uncertain Significance.

Literature cited by the submitters: PubMed 36964991 (cited by Women's Health and Genetics/Laboratory Corporation of America, LabCorp).

NM_032856.5(WDR73):c.595C>T (p.Arg199Trp)

Gene: WDR73 (WD repeat domain 73; minus strand). Cytogenetic location: 15q25.2.
Variant type: single nucleotide variant.
Coding change: c.595C>T on transcript NM_032856.5 (MANE Select); coding-DNA position 595, C replaced by T.
Protein change: p.Arg199Trp; replaces arginine 199 with tryptophan.
Molecular consequence: missense variant. On other transcripts: non-coding transcript variant (4).
Genome position (GRCh38, 1-based): chr15:84,645,759, G>A on the plus strand (C>T on the coding strand, the complement: WDR73 is on the minus strand). VCF-style: chr15-84645759-G-A. GRCh37 (hg19) VCF-style: chr15-85188990-G-A.
Other names: short protein forms R199W.
Identifiers: ClinVar variation 1916657 (VCV001916657.5), dbSNP rs373323041, ClinGen allele CA7707298.